The following is an entry in ClinVar:

NM_001267550.2(TTN):c.75511_75512dup (p.Val25171_Lys25172insTer)

Genes: TTN (titin; minus strand), TTN-AS1 (TTN antisense RNA 1; plus strand). Cytogenetic location: 2q31.2.
Variant type: Microsatellite.
Coding change: c.75511_75512dup on transcript NM_001267550.2 (MANE Select); coding-DNA positions 75511 to 75512, 2 bases duplicated (GT; older notation c.75511_75512dupGT).
Protein change: p.Val25171_Lys25172insTer.
Molecular consequence: frameshift variant.
Genome position (GRCh38, 1-based): chr2:178,570,620-178,570,621, AC duplicated on the plus strand (GT on the coding strand, the reverse complement: TTN is on the minus strand); duplicating any 2 consecutive bases within chr2:178,570,620-178,570,623 gives the same sequence; the c. name uses the placement nearest the transcript's 3' end. VCF-style (leftmost placement, unchanged base first): chr2-178570619-T-TAC. GRCh37 (hg19) VCF-style: chr2-179435346-T-TAC.
Other names: c.70588_70589dup, p.Val23530_Lys23531insTer (NM_001256850.1); c.48316_48317dup, p.Val16106_Lys16107insTer (NM_003319.4); c.67807_67808dup, p.Val22603_Lys22604insTer (NM_133378.4); c.48691_48692dup, p.Val16231_Lys16232insTer (NM_133432.3); c.48892_48893dup, p.Val16298_Lys16299insTer (NM_133437.4).
Identifiers: ClinVar variation 3756634 (VCV003756634.2).

ClinVar aggregate classification (germline): Likely pathogenic (1 of 4 stars; one submission).

Conditions:
Dilated cardiomyopathy 1G (CMD1G). Identifiers: Orphanet 154, MedGen C1858763, MONDO:0011400, OMIM 604145.
Autosomal recessive limb-girdle muscular dystrophy type 2J (LGMDR10). Also called: Limb-girdle muscular dystrophy, type 2J; MUSCULAR DYSTROPHY, LIMB-GIRDLE, AUTOSOMAL RECESSIVE 10. Identifiers: Orphanet 140922, MedGen C1837342, MONDO:0012127, OMIM 608807.

Submission:

Labcorp Genetics (formerly Invitae), Labcorp
Classification: Likely pathogenic for Dilated cardiomyopathy 1G; Autosomal recessive limb-girdle muscular dystrophy type 2J. Last evaluated: 2024-06-02. Review status: criteria provided, single submitter. Criteria: Invitae Variant Classification Sherloc (09022015). Collection method: clinical testing. Allele origin: germline.
Comment: This sequence change creates a premature translational stop signal (p.Lys25172*) in the TTN gene. While this is not anticipated to result in nonsense mediated decay, it is expected to create a truncated TTN protein. This variant is not present in population databases (gnomAD no frequency). This variant has not been reported in the literature in individuals affected with TTN-related conditions. This variant is located in the A band of TTN (PMID: 25589632). Truncating variants in this region are significantly overrepresented in patients affected with dilated cardiomyopathy (PMID: 25589632). Truncating variants in this region have also been reported in individuals affected with autosomal recessive centronuclear myopathy (PMID: 23975875). In summary, the currently available evidence indicates that the variant is pathogenic, but additional data are needed to prove that conclusively. Therefore, this variant has been classified as Likely Pathogenic.

Literature cited by the submitters: PubMed 25589632; PubMed 23975875.